The following is an entry in ClinVar:

NM_001943.5(DSG2):c.2505A>G (p.Thr835=)

Genes: DSG2 (desmoglein 2; plus strand), DSG2-AS1 (DSG2 antisense RNA 1; minus strand). Cytogenetic location: 18q12.1.
Variant type: single nucleotide variant.
Coding change: c.2505A>G on transcript NM_001943.5 (MANE Select); coding-DNA position 2505, A replaced by G.
Protein change: p.Thr835=; no amino-acid change (threonine 835 retained).
Molecular consequence: synonymous variant. On other transcripts: non-coding transcript variant (1).
Genome position (GRCh38, 1-based): chr18:31,545,891, A>G. VCF-style: chr18-31545891-A-G. GRCh37 (hg19) VCF-style: chr18-29125854-A-G.
Other names: p.T835T:ACA>ACG; p.Thr835=.
Identifiers: ClinVar variation 44302 (VCV000044302.37), dbSNP rs1042769, ClinGen allele CA021806.
Genomic context (GRCh38, chr18:31,545,891, plus strand): 5'-TTTTATTGAAGGAGAGCTAGATGACCGCTTCTTAGATGATTTGGGACTTAAATTCAAGAC[A>G]CTAGCTGAAGTTTGCCTGGGTCAAAAAATAGATATAAATAAGGAAATTGAGCAGAGACAA-3'
Protein context (NP_001934.2, residues 825-845): FLDDLGLKFK[Thr835=]LAEVCLGQKI

ClinVar aggregate classification (germline): Benign. Review status: criteria provided, multiple submitters, no conflicts (2 of 4 stars). 18 submissions from 18 submitters: Benign (12). 6 of the submissions do not count toward it. Last evaluated 2026-02-04.

Conditions:
Cardiovascular phenotype. Identifiers: MedGen CN230736.
Arrhythmogenic right ventricular cardiomyopathy (ARVD). Also called: Arrhythmogenic cardiomyopathy; Arrhythmogenic Right Ventricular Cardiomyopathy (ARVC); Cardiomyopathy, ARVC; Arrhythmogenic right ventricular dysplasia. Identifiers: Orphanet 247, MedGen C0349788, MeSH D019571, MONDO:0016587. Disease mechanism: loss of function. Inheritance: Various modes of inheritance.
Cardiomyopathy (CMYO). Also called: Cardiomyopathies. Identifiers: Orphanet 167848, MedGen C0878544, MONDO:0004994, HP:0001638. Inheritance: Various modes of inheritance.
Arrhythmogenic right ventricular dysplasia 10. Also called: Arrhythmogenic right ventricular dysplasia/cardiomyopathy, type 10; ARRHYTHMOGENIC RIGHT VENTRICULAR DYSPLASIA, FAMILIAL, 10; Arrhythmogenic Right Ventricular Dysplasia/Cardiomyopathy10. Identifiers: MedGen C1857777, MONDO:0012434, OMIM 610193.

Allele frequency attached by ClinVar (database versions not stated): gnomAD exomes 0.10934 and 0.12481; ExAC 0.12844; gnomAD 0.17821 and 0.18278; ESP Exome Variant Server 0.18015; TOPMed 0.19124; 1000 Genomes Project 0.19748; 1000 Genomes Project 30x 0.20284.
gnomAD v4.1: 187,774 of 1,613,976 alleles (12%); highest among the groups gnomAD compares: African/African-American, 35%; 13,505 homozygotes.

Submissions (18):

Labcorp Genetics (formerly Invitae), Labcorp
Classification: Benign for Arrhythmogenic right ventricular dysplasia 10. Last evaluated: 2026-02-04. Review status: criteria provided, single submitter. Criteria: Invitae Variant Classification Sherloc (09022015). Collection method: clinical testing. Allele origin: germline.

Molecular Diagnostic Laboratory for Inherited Cardiovascular Disease, Montreal Heart Institute
Classification: Benign. Last evaluated: 2025-04-09. Review status: criteria provided, single submitter. Criteria: ACMG Guidelines, 2015. Collection method: clinical testing. Allele origin: germline. Affected: no.

Blueprint Genetics
Classification: Benign. Last evaluated: 2024-11-28. Review status: criteria provided, single submitter. Criteria: ACMG Guidelines, 2015. Collection method: clinical testing. Allele origin: germline.

All of Us Research Program, National Institutes of Health
Classification: Benign for Arrhythmogenic right ventricular cardiomyopathy. Last evaluated: 2024-10-02. Review status: criteria provided, single submitter. Criteria: ACMG Guidelines, 2015. Collection method: clinical testing. Allele origin: germline. Inheritance: Autosomal dominant inheritance. Observed: 34,428 variant alleles, 31,274 heterozygotes, 3,144 homozygotes, 10 hemizygotes.
Comment: This study involves interpretation of variants in research participants for the purpose of population health screening. Participant phenotype was not available at the time of variant classification. Additional details can be found in publication PMID: 35346344, PMCID: PMC8962531

Color Diagnostics, LLC DBA Color Health
Classification: Benign for Cardiomyopathy. Last evaluated: 2018-04-08. Review status: criteria provided, single submitter. Criteria: ACMG Guidelines, 2015. Collection method: clinical testing. Allele origin: germline.

Illumina Laboratory Services, Illumina
Classification: Benign for Arrhythmogenic right ventricular dysplasia 10. Last evaluated: 2018-01-13. Review status: criteria provided, single submitter. Criteria: ICSL Variant Classification Criteria 13 December 2019. Collection method: clinical testing. Allele origin: germline.
Comment: This variant was observed in the ICSL laboratory as part of a predisposition screen in an ostensibly healthy population. It had not been previously curated by ICSL or reported in the Human Gene Mutation Database (HGMD: prior to June 1st, 2018), and was therefore a candidate for classification through an automated scoring system. Utilizing variant allele frequency, disease prevalence and penetrance estimates, and inheritance mode, an automated score was calculated to assess if this variant is too frequent to cause the disease. Based on the score and internal cut-off values, a variant classified as benign is not then subjected to further curation. The score for this variant resulted in a classification of benign for this disease.

Ambry Genetics
Classification: Benign for Cardiovascular phenotype. Last evaluated: 2015-03-09. Review status: criteria provided, single submitter. Criteria: Ambry Variant Classification Scheme 2023. Collection method: clinical testing. Allele origin: germline.

Mayo Clinic Laboratories, Mayo Clinic
Classification: Benign. Last evaluated: 2014-05-08. Review status: criteria provided, single submitter. Criteria: ACMG Guidelines, 2015. Collection method: clinical testing. Allele origin: germline. Observed: 340 variant alleles.

GeneDx
Classification: Benign. Last evaluated: 2013-03-20. Review status: criteria provided, single submitter. Criteria: GeneDx Variant Classification (06012015). Collection method: clinical testing. Allele origin: germline. Affected: yes.
Comment: This variant is considered likely benign or benign based on one or more of the following criteria: it is a conservative change, it occurs at a poorly conserved position in the protein, it is predicted to be benign by multiple in silico algorithms, and/or has population frequency not consistent with disease.

Laboratory for Molecular Medicine, Mass General Brigham Personalized Medicine
Classification: Benign. Last evaluated: 2007-11-06. Review status: criteria provided, single submitter. Criteria: LMM Criteria. Collection method: clinical testing. Allele origin: germline. Observed: 547 variant alleles.

Breakthrough Genomics
Classification: Benign. Review status: criteria provided, single submitter. Criteria: ACMG Guidelines, 2015. Collection method: not provided. Allele origin: germline. Inheritance: Autosomal recessive inheritance. Affected: yes.

PreventionGenetics, part of Exact Sciences
Classification: Benign. Review status: criteria provided, single submitter. Criteria: ACMG Guidelines, 2015. Collection method: clinical testing. Allele origin: germline.

Cohesion Phenomics
Classification: Benign for Cardiomyopathy. Last evaluated: 2022-09-23. Review status: no assertion criteria provided. Criteria: ACMG Guidelines, 2015. Collection method: clinical testing. Allele origin: germline. Affected: yes. Not counted in ClinVar's aggregate classification.

Clinical Genetics DNA and cytogenetics Diagnostics Lab, Erasmus MC, Erasmus Medical Center
Classification: Benign. Review status: no assertion criteria provided. Collection method: clinical testing. Allele origin: germline. Affected: yes. Study: VKGL Data-share Consensus. Not counted in ClinVar's aggregate classification.

Clinical Genetics, Academic Medical Center
Classification: Benign. Review status: no assertion criteria provided. Collection method: clinical testing. Allele origin: germline. Affected: yes. Study: VKGL Data-share Consensus. Not counted in ClinVar's aggregate classification.

Diagnostic Laboratory, Department of Genetics, University Medical Center Groningen
Classification: Benign. Review status: no assertion criteria provided. Collection method: clinical testing. Allele origin: germline. Affected: yes. Study: VKGL Data-share Consensus. Not counted in ClinVar's aggregate classification.

Genome Diagnostics Laboratory, University Medical Center Utrecht
Classification: Benign. Review status: no assertion criteria provided. Collection method: clinical testing. Allele origin: germline. Affected: yes. Study: VKGL Data-share Consensus. Not counted in ClinVar's aggregate classification.

Joint Genome Diagnostic Labs from Nijmegen and Maastricht, Radboudumc and MUMC+
Classification: Benign. Review status: no assertion criteria provided. Collection method: clinical testing. Allele origin: germline. Affected: yes. Study: VKGL Data-share Consensus. Not counted in ClinVar's aggregate classification.